The following is an entry in ClinVar:

ClinVar aggregate classification (germline): Uncertain significance (1 of 4 stars; one submission).

Submission:

Labcorp Genetics (formerly Invitae), Labcorp
Classification: Uncertain significance. Last evaluated: 2024-04-10. Review status: criteria provided, single submitter. Criteria: Invitae Variant Classification Sherloc (09022015). Collection method: clinical testing. Allele origin: germline.
Comment: This variant, c.132_140del, results in the deletion of 3 amino acid(s) of the CYP2R1 protein (p.Gly45_Pro47del), but otherwise preserves the integrity of the reading frame. This variant is present in population databases (rs782052196, gnomAD 0.003%). This variant has not been reported in the literature in individuals affected with CYP2R1-related conditions. ClinVar contains an entry for this variant (Variation ID: 1909715). Experimental studies and prediction algorithms are not available or were not evaluated, and the functional significance of this variant is currently unknown. In summary, the available evidence is currently insufficient to determine the role of this variant in disease. Therefore, it has been classified as a Variant of Uncertain Significance.

NM_024514.5(CYP2R1):c.132_140del (p.Gly45_Pro47del)

Genes: CYP2R1 (cytochrome P450 family 2 subfamily R member 1; minus strand), PDE3B (phosphodiesterase 3B; plus strand). Cytogenetic location: 11p15.2.
Variant type: Deletion.
Coding change: c.132_140del on transcript NM_024514.5 (MANE Select); coding-DNA positions 132 to 140, 9 bases deleted (GGGGCTGCC; older notation c.132_140delGGGGCTGCC).
Protein change: p.Gly45_Pro47del.
Molecular consequence: inframe deletion. On other transcripts: intron variant (1).
Genome position (GRCh38, 1-based): chr11:14,892,066-14,892,074, GGCAGCCCC deleted on the plus strand (GGGGCTGCC on the coding strand, the reverse complement: CYP2R1 is on the minus strand); deleting any 9 consecutive bases within chr11:14,892,066-14,892,077 gives the same sequence; the c. name uses the placement nearest the transcript's 3' end. VCF-style (leftmost placement, unchanged base first): chr11-14892065-TGGCAGCCCC-T. GRCh37 (hg19) VCF-style: chr11-14913611-TGGCAGCCCC-T.
Other names: c.-121+291_-121+299del (NM_001400558.1).
Identifiers: ClinVar variation 1909715 (VCV001909715.4), dbSNP rs782052196, ClinGen allele CA5896791.